The following is an entry in ClinVar:

ClinVar aggregate classification (germline): Uncertain significance (1 of 4 stars; one submission).

Conditions:
Rubinstein-Taybi syndrome due to EP300 haploinsufficiency. Also called: EP300-Related Rubinstein-Taybi Syndrome; RUBINSTEIN-TAYBI SYNDROME 2. Identifiers: Orphanet 353284, Orphanet 783, MedGen C3150941, MONDO:0013364, OMIM 613684.

Submission:

Labcorp Genetics (formerly Invitae), Labcorp
Classification: Uncertain significance for Rubinstein-Taybi syndrome due to EP300 haploinsufficiency. Last evaluated: 2022-08-06. Review status: criteria provided, single submitter. Criteria: Invitae Variant Classification Sherloc (09022015). Collection method: clinical testing. Allele origin: germline.
Comment: In summary, the available evidence is currently insufficient to determine the role of this variant in disease. Therefore, it has been classified as a Variant of Uncertain Significance. Variants that disrupt the consensus splice site are a relatively common cause of aberrant splicing (PMID: 17576681, 9536098). Algorithms developed to predict the effect of sequence changes on RNA splicing suggest that this variant is not likely to affect RNA splicing. This variant has not been reported in the literature in individuals affected with EP300-related conditions. This variant is not present in population databases (gnomAD no frequency). This sequence change falls in intron 30 of the EP300 gene. It does not directly change the encoded amino acid sequence of the EP300 protein. It affects a nucleotide within the consensus splice site.

Literature cited by the submitters: PubMed 17576681; PubMed 9536098.

NM_001429.4(EP300):c.5062-3T>C

Gene: EP300 (EP300 lysine acetyltransferase; plus strand). Cytogenetic location: 22q13.2.
Variant type: single nucleotide variant.
Coding change: c.5062-3T>C on transcript NM_001429.4 (MANE Select); 3 bases into the intron before coding-DNA position 5062, T replaced by C.
Molecular consequence: intron variant.
Genome position (GRCh38, 1-based): chr22:41,176,770, T>C. VCF-style: chr22-41176770-T-C. GRCh37 (hg19) VCF-style: chr22-41572774-T-C.
Other names: c.4984-3T>C (NM_001362843.2).
Identifiers: ClinVar variation 2021898 (VCV002021898.4), dbSNP rs2517831861, ClinGen allele CA2580099852.